The following is an entry in ClinVar:

NM_002661.5(PLCG2):c.1674T>A (p.Asp558Glu)

Gene: PLCG2 (phospholipase C gamma 2; plus strand). Cytogenetic location: 16q23.3.
Variant type: single nucleotide variant.
Coding change: c.1674T>A on transcript NM_002661.5 (MANE Select); coding-DNA position 1674, T replaced by A.
Protein change: p.Asp558Glu; replaces aspartic acid 558 with glutamic acid.
Molecular consequence: missense variant.
Genome position (GRCh38, 1-based): chr16:81,908,532, T>A. VCF-style: chr16-81908532-T-A. GRCh37 (hg19) VCF-style: chr16-81942137-T-A.
Other names: c.1674T>A (NM_002661.4); short protein forms D558E.
Identifiers: ClinVar variation 2197321 (VCV002197321.5), dbSNP rs778864201, ClinGen allele CA8193886.

ClinVar aggregate classification (germline): Uncertain significance. Review status: criteria provided, multiple submitters, no conflicts (2 of 4 stars). 2 submissions from 2 submitters: Uncertain significance (2). Last evaluated 2024-11-19.

Conditions:
PLCG2-related disorder. Also called: PLCG2-related condition.
Familial cold autoinflammatory syndrome 3 (FCAS3). Also called: ANTIBODY DEFICIENCY AND IMMUNE DYSREGULATION, PLCG2-ASSOCIATED; FAMILIAL ATYPICAL COLD URTICARIA. Identifiers: Orphanet 300359, MedGen C3280914, MONDO:0013766, OMIM 614468.

Allele frequency attached by ClinVar (database versions not stated): gnomAD 0.00001; ExAC 0.00002; TOPMed 0.00002; gnomAD exomes 0.00005.
gnomAD v4.1: 77 of 1,613,592 alleles (0.0048%); highest among the groups gnomAD compares: Non-Finnish European, 0.0063%; no homozygotes.

Submissions (2):

PreventionGenetics, part of Exact Sciences
Classification: Uncertain significance for PLCG2-related condition. Last evaluated: 2024-11-19. Review status: criteria provided, single submitter. Criteria: ACMG Guidelines, 2015. Collection method: clinical testing. Allele origin: germline.
Comment: The PLCG2 c.1674T>A variant is predicted to result in the amino acid substitution p.Asp558Glu. To our knowledge, this variant has not been reported in the literature. This variant is reported in 0.0027% of alleles in individuals of European (Non-Finnish) descent in gnomAD v2, including 77 heterozygotes in gnomAD v4, which may be too common to be a highly penetrant cause of autosomal dominant PLCG2-related disease. Although we suspect that this variant may be benign, at this time, the clinical significance of this variant is uncertain due to the absence of conclusive functional and genetic evidence.

Labcorp Genetics (formerly Invitae), Labcorp
Classification: Uncertain significance for Familial cold autoinflammatory syndrome 3. Last evaluated: 2024-07-21. Review status: criteria provided, single submitter. Criteria: Invitae Variant Classification Sherloc (09022015). Collection method: clinical testing. Allele origin: germline.
Comment: This sequence change replaces aspartic acid, which is acidic and polar, with glutamic acid, which is acidic and polar, at codon 558 of the PLCG2 protein (p.Asp558Glu). This variant is present in population databases (rs778864201, gnomAD 0.003%). This variant has not been reported in the literature in individuals affected with PLCG2-related conditions. ClinVar contains an entry for this variant (Variation ID: 2197321). An algorithm developed to predict the effect of missense changes on protein structure and function (PolyPhen-2) suggests that this variant is likely to be disruptive. In summary, the available evidence is currently insufficient to determine the role of this variant in disease. Therefore, it has been classified as a Variant of Uncertain Significance.